The following is an entry in ClinVar:

ClinVar aggregate classification (germline): Pathogenic (1 of 4 stars; one submission).

Conditions:
Joubert syndrome and related disorders. Identifiers: Orphanet 140874, MedGen C5679612, MONDO:0015369.

Submission:

Myriad Genetics, Inc.
Classification: Pathogenic for Joubert syndrome and related disorders. Last evaluated: 2024-08-20. Review status: criteria provided, single submitter. Criteria: Myriad Autosomal Dominant, Autosomal Recessive and X-Linked Classification Criteria (2023). Collection method: clinical testing. Allele origin: unknown.
Comment: NM_001080522.2(CC2D2A):c.3739delC(Q1247Sfs*33) is expected to be pathogenic in the context of CC2D2A-related disorders. This variant is predicted to lead to an abnormal or absent protein product due to the creation of a premature termination codon in CC2D2A, a gene where loss-of-function variants are known to be pathogenic. Please note: this variant was assessed in the context of healthy population screening.

NM_001378615.1(CC2D2A):c.3739del (p.Gln1247fs)

Genes: CC2D2A (coiled-coil and C2 domain containing 2A; plus strand), FBXL5 (F-box and leucine rich repeat protein 5; minus strand). Cytogenetic location: 4p15.32.
Variant type: Deletion.
Coding change: c.3739del on transcript NM_001378615.1 (MANE Select); coding-DNA position 3739, one base deleted (C; older notation c.3739delC).
Protein change: p.Gln1247fs; shifts the reading frame from glutamine 1247.
Molecular consequence: frameshift variant.
Genome position (GRCh38, 1-based): chr4:15,574,294, C deleted; the last of 4 consecutive C bases (chr4:15,574,291-15,574,294); deleting any one gives the same sequence. VCF-style (leftmost placement, unchanged base first): chr4-15574290-GC-G. GRCh37 (hg19) VCF-style: chr4-15575913-GC-G.
Other names: c.3592del, p.Gln1198fs (NM_001378617.1); c.3739del, p.Gln1247fs (NM_001080522.2); short protein forms Q1198fs, Q1247fs.
Identifiers: ClinVar variation 5013466 (VCV005013466.1).
Genomic context (GRCh38, chr4:15,574,290, plus strand): 5'-TTTTGATTCTGTCCGAAGCTTAAGTGAAGGCTCCTACATTACCCTCTTTATTACCATTGA[GC>G]CCCAGCTGGTTCCTGGAGAGTCCATTCGAGAAAAGGTAACTACTTATAGTTTGGAAACCC-3'